The following is an entry in ClinVar:

ClinVar aggregate classification (germline): Uncertain significance (1 of 4 stars; one submission).

Conditions:
Cardiomyopathy (CMYO). Also called: Cardiomyopathies. Identifiers: Orphanet 167848, MedGen C0878544, MONDO:0004994, HP:0001638. Inheritance: Various modes of inheritance.

Submission:

Color Diagnostics, LLC DBA Color Health
Classification: Uncertain significance for Cardiomyopathy. Last evaluated: 2024-03-06. Review status: criteria provided, single submitter. Criteria: ACMG Guidelines, 2015. Collection method: clinical testing. Allele origin: germline.
Comment: This missense variant replaces glutamine with arginine at codon 1774 of the DSP protein. Computational prediction suggests that this variant may not impact protein structure and function (internally defined REVEL score threshold <= 0.5, PMID: 27666373). To our knowledge, functional studies have not been reported for this variant. This variant has not been reported in individuals affected with cardiovascular disorders in the literature. This variant has not been identified in the general population by the Genome Aggregation Database (gnomAD). The available evidence is insufficient to determine the role of this variant in disease conclusively. Therefore, this variant is classified as a Variant of Uncertain Significance.

NM_004415.4(DSP):c.5321A>G (p.Gln1774Arg)

Gene: DSP (desmoplakin; plus strand). Cytogenetic location: 6p24.3.
Variant type: single nucleotide variant.
Coding change: c.5321A>G on transcript NM_004415.4 (MANE Select); coding-DNA position 5321, A replaced by G.
Protein change: p.Gln1774Arg; replaces glutamine 1774 with arginine.
Molecular consequence: missense variant. On other transcripts: intron variant (2).
Genome position (GRCh38, 1-based): chr6:7,581,511, A>G. VCF-style: chr6-7581511-A-G. GRCh37 (hg19) VCF-style: chr6-7581744-A-G.
Other names: c.4051-1131A>G (NM_001319034.2); c.3583-1131A>G (NM_001008844.3); short protein forms Q1774R.
Identifiers: ClinVar variation 2775323 (VCV002775323.2), dbSNP rs2533932562, ClinGen allele CA362688338.
Genomic context (GRCh38, chr6:7,581,511, plus strand): 5'-GCCAGCTGCAGATCAGCAACAACCGGACCCTGGAACTGCAGGGGCTGATTAATGATTTAC[A>G]GAGAGAGAGGGAAAATTTGAGACAGGAAATTGAGAAATTCCAAAAGCAGGCTTTAGAGGT-3'
Protein context (NP_004406.2, residues 1764-1784): LELQGLINDL[Gln1774Arg]RERENLRQEI